The following is an entry in ClinVar:

ClinVar aggregate classification (germline): Uncertain significance. Review status: criteria provided, multiple submitters, no conflicts (2 of 4 stars). 4 submissions from 4 submitters: Uncertain significance (4). Last evaluated 2024-10-02.

Conditions:
Inborn genetic diseases. Identifiers: MedGen C0950123, MeSH D030342.
Deficiency of alpha-mannosidase (MANSA). Also called: Alpha-Mannosidosis; Mannosidosis, alpha-, types I and II; LYSOSOMAL ALPHA-D-MANNOSIDASE DEFICIENCY. Identifiers: Orphanet 61, MedGen C0024748, MONDO:0009561, OMIM 248500.

Allele frequency attached by ClinVar (database versions not stated): gnomAD 0.00010; TOPMed 0.00010; gnomAD exomes 0.00011; ExAC 0.00012; 1000 Genomes Project 0.00020; 1000 Genomes Project 30x 0.00031.
gnomAD v4.1: 84 of 1,611,300 alleles (0.0052%); highest among the groups gnomAD compares: Admixed American, 0.057%; no homozygotes.

Submissions (4):

Blueprint Genetics
Classification: Uncertain significance. Last evaluated: 2024-10-02. Review status: criteria provided, single submitter. Criteria: ACMG Guidelines, 2015. Collection method: clinical testing. Allele origin: germline.

Labcorp Genetics (formerly Invitae), Labcorp
Classification: Uncertain significance for Deficiency of alpha-mannosidase. Last evaluated: 2022-10-17. Review status: criteria provided, single submitter. Criteria: Invitae Variant Classification Sherloc (09022015). Collection method: clinical testing. Allele origin: germline.
Comment: This sequence change replaces arginine, which is basic and polar, with cysteine, which is neutral and slightly polar, at codon 308 of the MAN2B1 protein (p.Arg308Cys). This variant is present in population databases (rs185112259, gnomAD 0.05%). This variant has not been reported in the literature in individuals affected with MAN2B1-related conditions. ClinVar contains an entry for this variant (Variation ID: 1410243). Advanced modeling of protein sequence and biophysical properties (such as structural, functional, and spatial information, amino acid conservation, physicochemical variation, residue mobility, and thermodynamic stability) has been performed at Invitae for this missense variant, however the output from this modeling did not meet the statistical confidence thresholds required to predict the impact of this variant on MAN2B1 protein function. In summary, the available evidence is currently insufficient to determine the role of this variant in disease. Therefore, it has been classified as a Variant of Uncertain Significance.

Mayo Clinic Laboratories, Mayo Clinic
Classification: Uncertain significance. Last evaluated: 2021-10-26. Review status: criteria provided, single submitter. Criteria: ACMG Guidelines, 2015. Collection method: clinical testing. Allele origin: germline.

Ambry Genetics
Classification: Uncertain significance for Inborn genetic diseases. Last evaluated: 2021-08-03. Review status: criteria provided, single submitter. Criteria: Ambry Variant Classification Scheme 2023. Collection method: clinical testing. Allele origin: germline.

NM_000528.4(MAN2B1):c.922C>T (p.Arg308Cys)

Gene: MAN2B1 (mannosidase alpha class 2B member 1; minus strand). Cytogenetic location: 19p13.13.
Variant type: single nucleotide variant.
Coding change: c.922C>T on transcript NM_000528.4 (MANE Select); coding-DNA position 922, C replaced by T.
Protein change: p.Arg308Cys; replaces arginine 308 with cysteine.
Molecular consequence: missense variant.
Genome position (GRCh38, 1-based): chr19:12,661,364, G>A on the plus strand (C>T on the coding strand, the complement: MAN2B1 is on the minus strand). VCF-style: chr19-12661364-G-A. GRCh37 (hg19) VCF-style: chr19-12772178-G-A.
Other names: p.Arg308Cys; c.922C>T (NM_000528.3); c.922C>T, p.Arg308Cys (NM_001173498.2); short protein forms R308C.
Identifiers: ClinVar variation 1410243 (VCV001410243.8), dbSNP rs185112259, ClinGen allele CA9226657.